The following is an entry in ClinVar:

NM_139318.5(KCNH5):c.1086G>T (p.Trp362Cys)

Gene: KCNH5 (potassium voltage-gated channel subfamily H member 5; minus strand). Cytogenetic location: 14q23.2.
Variant type: single nucleotide variant.
Coding change: c.1086G>T on transcript NM_139318.5 (MANE Select); coding-DNA position 1086, G replaced by T.
Protein change: p.Trp362Cys; replaces tryptophan 362 with cysteine.
Molecular consequence: missense variant.
Genome position (GRCh38, 1-based): chr14:62,950,416, C>A on the plus strand (G>T on the coding strand, the complement: KCNH5 is on the minus strand). VCF-style: chr14-62950416-C-A. GRCh37 (hg19) VCF-style: chr14-63417134-C-A.
Other names: c.1086G>T, p.Trp362Cys (NM_172375.3); short protein forms W362C.
Identifiers: ClinVar variation 2863041 (VCV002863041.3), dbSNP rs2503005213, ClinGen allele CA390103303.
Genomic context (GRCh38, chr14:62,950,416, plus strand): 5'-GGTGTTAGTGACTTCATCAATGACCTCGTAGTCTCCGATGCTATACCATATGCAGGCCAG[C>A]CAGTGGGCCACCAGTCCAAACACACACACCAGGAGCACGAGGACTGCTGCTCCATATTCT-3'
Protein context (NP_647479.2, residues 352-372): LVCVFGLVAH[Trp362Cys]LACIWYSIGD

ClinVar aggregate classification (germline): Uncertain significance (1 of 4 stars; one submission).

Conditions:
Early-infantile DEE. Also called: Ohtahara syndrome; Early infantile epileptic encephalopathy with suppression bursts; Early infantile epileptic encephalopathy. Identifiers: Orphanet 1934, MedGen C0393706, MONDO:0800491.

Submission:

Labcorp Genetics (formerly Invitae), Labcorp
Classification: Uncertain significance for Early-infantile DEE. Last evaluated: 2023-05-16. Review status: criteria provided, single submitter. Criteria: Invitae Variant Classification Sherloc (09022015). Collection method: clinical testing. Allele origin: germline.
Comment: This sequence change replaces tryptophan, which is neutral and slightly polar, with cysteine, which is neutral and slightly polar, at codon 362 of the KCNH5 protein (p.Trp362Cys). This variant is not present in population databases (gnomAD no frequency). In summary, the available evidence is currently insufficient to determine the role of this variant in disease. Therefore, it has been classified as a Variant of Uncertain Significance. An algorithm developed to predict the effect of missense changes on protein structure and function (PolyPhen-2) suggests that this variant is likely to be disruptive. This variant has not been reported in the literature in individuals affected with KCNH5-related conditions.